The following is an entry in ClinVar:

ClinVar aggregate classification (germline): Uncertain significance (1 of 4 stars; one submission).

Submission:

Labcorp Genetics (formerly Invitae), Labcorp
Classification: Uncertain significance. Last evaluated: 2024-04-22. Review status: criteria provided, single submitter. Criteria: Invitae Variant Classification Sherloc (09022015). Collection method: clinical testing. Allele origin: germline.
Comment: This sequence change replaces valine, which is neutral and non-polar, with glycine, which is neutral and non-polar, at codon 550 of the PIK3C2A protein (p.Val550Gly). This variant is not present in population databases (gnomAD no frequency). This variant has not been reported in the literature in individuals affected with PIK3C2A-related conditions. ClinVar contains an entry for this variant (Variation ID: 1949104). An algorithm developed to predict the effect of missense changes on protein structure and function (PolyPhen-2) suggests that this variant is likely to be tolerated. In summary, the available evidence is currently insufficient to determine the role of this variant in disease. Therefore, it has been classified as a Variant of Uncertain Significance.

NM_002645.4(PIK3C2A):c.1649T>G (p.Val550Gly)

Gene: PIK3C2A (phosphatidylinositol-4-phosphate 3-kinase catalytic subunit type 2 alpha; minus strand). Cytogenetic location: 11p15.1.
Variant type: single nucleotide variant.
Coding change: c.1649T>G on transcript NM_002645.4 (MANE Select); coding-DNA position 1649, T replaced by G.
Protein change: p.Val550Gly; replaces valine 550 with glycine.
Molecular consequence: missense variant.
Genome position (GRCh38, 1-based): chr11:17,145,723, A>C on the plus strand (T>G on the coding strand, the complement: PIK3C2A is on the minus strand). VCF-style: chr11-17145723-A-C. GRCh37 (hg19) VCF-style: chr11-17167270-A-C.
Other names: c.1649T>G, p.Val550Gly (NM_001321378.2, NM_001386870.1); c.509T>G, p.Val170Gly (NM_001321380.2); short protein forms V170G, V550G.
Identifiers: ClinVar variation 1949104 (VCV001949104.5), dbSNP rs2494171762, ClinGen allele CA379765833.